The following is an entry in ClinVar:

ClinVar aggregate classification (germline): Conflicting classifications of pathogenicity. Review status: criteria provided, conflicting classifications (1 of 4 stars). 4 submissions from 4 submitters: Uncertain significance (1); Benign (1); Likely benign (2). Last evaluated 2025-05-19.

Conditions:
Hereditary cancer-predisposing syndrome. Also called: Hereditary Cancer Syndrome; Neoplastic Syndromes, Hereditary; Hereditary neoplastic syndrome; Tumor predisposition. Identifiers: Orphanet 140162, MedGen C0027672, MeSH D009386, MONDO:0015356.
Familial melanoma. Also called: Hereditary melanoma; Hereditary cutaneous melanoma. Identifiers: Orphanet 618, MedGen C1512419, MONDO:0018961.
Melanoma, cutaneous malignant, susceptibility to, 3. Also called: Cutaneous malignant melanoma 3. Identifiers: Orphanet 618, MedGen C1836892, MONDO:0012183, OMIM 609048.

Allele frequency attached by ClinVar (database versions not stated): gnomAD exomes below 0.00001; TOPMed below 0.00001; gnomAD 0.00001.
gnomAD v4.1: 3 of 1,613,890 alleles (0.00019%); highest among the groups gnomAD compares: African/African-American, 0.004%; no homozygotes.

Submissions (4):

Labcorp Genetics (formerly Invitae), Labcorp
Classification: Likely benign for Familial melanoma. Last evaluated: 2025-05-19. Review status: criteria provided, single submitter. Criteria: Invitae Variant Classification Sherloc (09022015). Collection method: clinical testing. Allele origin: germline.

Myriad Genetics, Inc.
Classification: Benign for Melanoma, cutaneous malignant, susceptibility to, 3. Last evaluated: 2024-09-27. Review status: criteria provided, single submitter. Criteria: Myriad Autosomal Dominant, Autosomal Recessive and X-Linked Classification Criteria (2023). Collection method: clinical testing. Allele origin: unknown.
Comment: This variant is considered benign. This variant is a silent/synonymous amino acid change and it is not expected to impact splicing.

GeneDx
Classification: Uncertain significance. Last evaluated: 2024-08-07. Review status: criteria provided, single submitter. Criteria: GeneDx Variant Classification Process June 2021. Collection method: clinical testing. Allele origin: germline. Affected: yes.
Comment: Not observed at significant frequency in large population cohorts (gnomAD); Has not been previously published as pathogenic or benign to our knowledge; In silico analysis suggests this variant may impact gene splicing. In the absence of RNA/functional studies, the actual effect of this sequence change is unknown.

Ambry Genetics
Classification: Likely benign for Hereditary cancer-predisposing syndrome. Last evaluated: 2020-12-01. Review status: criteria provided, single submitter. Criteria: Ambry Variant Classification Scheme 2023. Collection method: clinical testing. Allele origin: germline.

NM_000075.4(CDK4):c.864A>T (p.Arg288=)

Genes: TSPAN31 (tetraspanin 31; plus strand), CDK4 (cyclin dependent kinase 4; minus strand). Cytogenetic location: 12q14.1.
Variant type: single nucleotide variant.
Coding change: c.864A>T on transcript NM_000075.4 (MANE Select); coding-DNA position 864, A replaced by T.
Protein change: p.Arg288=; no amino-acid change (arginine 288 retained).
Molecular consequence: synonymous variant. On other transcripts: 3 prime UTR variant (3).
Genome position (GRCh38, 1-based): chr12:57,748,573, T>A on the plus strand (A>T on the coding strand, the complement: CDK4 is on the minus strand). VCF-style: chr12-57748573-T-A. GRCh37 (hg19) VCF-style: chr12-58142356-T-A.
Other names: c.*1283T>A (NM_001330168.2, NM_001330169.2, NM_005981.5).
Identifiers: ClinVar variation 1089164 (VCV001089164.13), dbSNP rs1369349270, ClinGen allele CA480299577.
Genomic context (GRCh38, chr12:57,748,573, plus strand): 5'-CCACTCCATTGCTCACTCCGGATTACCTTCATCCTTATGTAGATAAGAGTGCTGCAGAGC[T>A]CGAAAGGCAGAGATTCGCTTGTGTGGGTTAAAAGTCAGCATTTCCTGAGGGGAGAGGCAA-3'
Protein context (NP_000066.1, residues 278-298): FNPHKRISAF[Arg288=]ALQHSYLHKD